The following is an entry in ClinVar:

ClinVar aggregate classification (germline): Uncertain significance (1 of 4 stars; one submission).

Conditions:
Cardiovascular phenotype. Identifiers: MedGen CN230736.
Hereditary cancer-predisposing syndrome. Also called: Neoplastic Syndromes, Hereditary; Hereditary Cancer Syndrome; Tumor predisposition; Hereditary neoplastic syndrome. Identifiers: Orphanet 140162, MedGen C0027672, MeSH D009386, MONDO:0015356.

Submission:

Ambry Genetics
Classification: Uncertain significance for Cardiovascular phenotype; Hereditary cancer-predisposing syndrome. Last evaluated: 2022-11-06. Review status: criteria provided, single submitter. Criteria: Ambry Variant Classification Scheme 2023. Collection method: clinical testing. Allele origin: germline.
Comment: The p.F241V variant (also known as c.721T>G), located in coding exon 8 of the LZTR1 gene, results from a T to G substitution at nucleotide position 721. The phenylalanine at codon 241 is replaced by valine, an amino acid with highly similar properties. This amino acid position is conserved. In addition, this alteration is predicted to be deleterious by in silico analysis. Since supporting evidence is limited at this time, the clinical significance of this alteration remains unclear.

NM_006767.4(LZTR1):c.721T>G (p.Phe241Val)

Gene: LZTR1 (leucine zipper like post translational regulator 1; plus strand). Cytogenetic location: 22q11.21.
Variant type: single nucleotide variant.
Coding change: c.721T>G on transcript NM_006767.4 (MANE Select); coding-DNA position 721, T replaced by G.
Protein change: p.Phe241Val; replaces phenylalanine 241 with valine.
Molecular consequence: missense variant.
Genome position (GRCh38, 1-based): chr22:20,990,455, T>G. VCF-style: chr22-20990455-T-G. GRCh37 (hg19) VCF-style: chr22-21344744-T-G.
Other names: short protein forms F241V.
Identifiers: ClinVar variation 2447699 (VCV002447699.2), dbSNP rs2518615791, ClinGen allele CA410780558.